The following is an entry in ClinVar:

NM_000245.4(MET):c.3200A>G (p.Gln1067Arg)

Gene: MET (MET proto-oncogene, receptor tyrosine kinase; plus strand). Cytogenetic location: 7q31.2.
Variant type: single nucleotide variant.
Coding change: c.3200A>G on transcript NM_000245.4 (MANE Select); coding-DNA position 3200, A replaced by G.
Protein change: p.Gln1067Arg; replaces glutamine 1067 with arginine.
Molecular consequence: missense variant.
Genome position (GRCh38, 1-based): chr7:116,775,052, A>G. VCF-style: chr7-116775052-A-G. GRCh37 (hg19) VCF-style: chr7-116415106-A-G.
Other names: c.3254A>G, p.Gln1085Arg (NM_001127500.3); c.1910A>G, p.Gln637Arg (NM_001324402.2); short protein forms Q1067R, Q1085R, Q637R.
Identifiers: ClinVar variation 1396771 (VCV001396771.10), dbSNP rs1554398900, ClinGen allele CA368988613.

ClinVar aggregate classification (germline): Uncertain significance. Review status: criteria provided, multiple submitters, no conflicts (2 of 4 stars). 3 submissions from 3 submitters: Uncertain significance (3). Last evaluated 2025-09-10.

Conditions:
Hereditary cancer-predisposing syndrome. Also called: Hereditary Cancer Syndrome; Hereditary neoplastic syndrome; Tumor predisposition; Neoplastic Syndromes, Hereditary. Identifiers: Orphanet 140162, MedGen C0027672, MeSH D009386, MONDO:0015356.
Renal cell carcinoma. Identifiers: Orphanet 217071, MedGen C0007134, MeSH D002292, MONDO:0005086, HP:0005584.

Allele frequency attached by ClinVar (database versions not stated): gnomAD 0.00001.
gnomAD v4.1: 4 of 1,614,122 alleles (0.00025%); highest among the groups gnomAD compares: Non-Finnish European, 0.00034%; no homozygotes.

Submissions (3):

Ambry Genetics
Classification: Uncertain significance for Hereditary cancer-predisposing syndrome. Last evaluated: 2025-09-10. Review status: criteria provided, single submitter. Criteria: Ambry Variant Classification Scheme 2023. Collection method: clinical testing. Allele origin: germline.
Comment: The p.Q1085R variant (also known as c.3254A>G), located in coding exon 14 of the MET gene, results from an A to G substitution at nucleotide position 3254. The glutamine at codon 1085 is replaced by arginine, an amino acid with highly similar properties. This amino acid position is well conserved in available vertebrate species. In addition, the in silico prediction for this alteration is inconclusive. Based on the available evidence, the clinical significance of this variant remains unclear.

GeneDx
Classification: Uncertain significance. Last evaluated: 2023-07-30. Review status: criteria provided, single submitter. Criteria: GeneDx Variant Classification Process June 2021. Collection method: clinical testing. Allele origin: germline. Affected: yes.
Comment: Not observed at significant frequency in large population cohorts (gnomAD); In silico analysis supports that this missense variant has a deleterious effect on protein structure/function; Has not been previously published as pathogenic or benign to our knowledge

Labcorp Genetics (formerly Invitae), Labcorp
Classification: Uncertain significance for Renal cell carcinoma. Last evaluated: 2022-06-26. Review status: criteria provided, single submitter. Criteria: Invitae Variant Classification Sherloc (09022015). Collection method: clinical testing. Allele origin: germline.
Comment: This sequence change replaces glutamine, which is neutral and polar, with arginine, which is basic and polar, at codon 1085 of the MET protein (p.Gln1085Arg). This variant is not present in population databases (gnomAD no frequency). This variant has not been reported in the literature in individuals affected with MET-related conditions. Algorithms developed to predict the effect of missense changes on protein structure and function are either unavailable or do not agree on the potential impact of this missense change (SIFT: "Deleterious"; PolyPhen-2: "Benign"; Align-GVGD: "Class C0"). In summary, the available evidence is currently insufficient to determine the role of this variant in disease. Therefore, it has been classified as a Variant of Uncertain Significance.